The following is an entry in ClinVar:

NM_024577.4(SH3TC2):c.32G>A (p.Arg11Gln)

Gene: SH3TC2 (SH3 domain and tetratricopeptide repeats 2; minus strand). Cytogenetic location: 5q32.
Variant type: single nucleotide variant.
Coding change: c.32G>A on transcript NM_024577.4 (MANE Select); coding-DNA position 32, G replaced by A.
Protein change: p.Arg11Gln; replaces arginine 11 with glutamine.
Molecular consequence: missense variant.
Genome position (GRCh38, 1-based): chr5:149,062,991, C>T on the plus strand (G>A on the coding strand, the complement: SH3TC2 is on the minus strand). VCF-style: chr5-149062991-C-T. GRCh37 (hg19) VCF-style: chr5-148442554-C-T.
Other names: short protein forms R11Q.
Identifiers: ClinVar variation 578774 (VCV000578774.39), dbSNP rs558800325, ClinGen allele CA3499698.

ClinVar aggregate classification (germline): Uncertain significance. Review status: criteria provided, multiple submitters, no conflicts (2 of 4 stars). 2 submissions from 2 submitters: Uncertain significance (2). Last evaluated 2026-07-01.

Conditions:
Charcot-Marie-Tooth disease type 4. Also called: Charcot-Marie-Tooth, Type 4; Charcot-Marie-Tooth disease, type IV. Identifiers: Orphanet 64749, MedGen C4082197, MONDO:0018995.

Allele frequency attached by ClinVar (database versions not stated): 1000 Genomes Project 30x 0.00016; 1000 Genomes Project 0.00020; ExAC below 0.00001; gnomAD exomes 0.00001 and 0.00004; TOPMed 0.00003; gnomAD 0.00004 and 0.00005.
gnomAD v4.1: 69 of 1,598,924 alleles (0.0043%); highest among the groups gnomAD compares: South Asian, 0.015%; no homozygotes.

Submissions (2):

CeGaT Center for Human Genetics Tuebingen
Classification: Uncertain significance. Last evaluated: 2026-07-01. Review status: criteria provided, single submitter. Criteria: CeGaT Center For Human Genetics Tuebingen Variant Classification Criteria Version 2. Collection method: clinical testing. Allele origin: germline. Affected: yes. Observed: 2 variant alleles.
Comment: SH3TC2: PM2, BP4

Labcorp Genetics (formerly Invitae), Labcorp
Classification: Uncertain significance for Charcot-Marie-Tooth disease type 4. Last evaluated: 2023-08-17. Review status: criteria provided, single submitter. Criteria: Invitae Variant Classification Sherloc (09022015). Collection method: clinical testing. Allele origin: germline.
Comment: In summary, the available evidence is currently insufficient to determine the role of this variant in disease. Therefore, it has been classified as a Variant of Uncertain Significance. This sequence change replaces arginine, which is basic and polar, with glutamine, which is neutral and polar, at codon 11 of the SH3TC2 protein (p.Arg11Gln). The frequency data for this variant in the population databases is considered unreliable, as metrics indicate poor data quality at this position in the gnomAD database. This variant has not been reported in the literature in individuals affected with SH3TC2-related conditions. ClinVar contains an entry for this variant (Variation ID: 578774). Advanced modeling of protein sequence and biophysical properties (such as structural, functional, and spatial information, amino acid conservation, physicochemical variation, residue mobility, and thermodynamic stability) performed at Invitae indicates that this missense variant is not expected to disrupt SH3TC2 protein function.